The following is an entry in ClinVar:

ClinVar aggregate classification (germline): Conflicting classifications of pathogenicity. Review status: criteria provided, conflicting classifications (1 of 4 stars). 4 submissions from 4 submitters: Likely pathogenic (1); Uncertain significance (1); Benign (1). 1 of the submissions does not count toward it. Last evaluated 2024-07-08.

Conditions:
SLFN14-related disorder. Also called: SLFN14-related condition.
Platelet-type bleeding disorder 20 (BDPLT20). Identifiers: Orphanet 466806, MedGen C4310797, MONDO:0014830, OMIM 616913.

Allele frequency attached by ClinVar (database versions not stated): 1000 Genomes Project 30x 0.00062; TOPMed 0.00010; gnomAD 0.00013; 1000 Genomes Project 0.00080.

Submissions (4):

Mayo Clinic Laboratories, Mayo Clinic
Classification: Uncertain significance. Last evaluated: 2024-07-08. Review status: criteria provided, single submitter. Criteria: ACMG Guidelines, 2015. Collection method: clinical testing. Allele origin: germline. Observed: 1 variant allele.
Comment: BS1, PP5

Labcorp Genetics (formerly Invitae), Labcorp
Classification: Benign. Last evaluated: 2018-01-03. Review status: criteria provided, single submitter. Criteria: Invitae Variant Classification Sherloc (09022015). Collection method: clinical testing. Allele origin: germline.

ISTH-SSC Genomics in Thrombosis and Hemostasis, KU Leuven, Center for Molecular and Vascular Biology
Classification: Likely pathogenic for Platelet-type bleeding disorder 20. Review status: criteria provided, single submitter. Criteria: ACMG Guidelines, 2015. Collection method: clinical testing. Allele origin: germline. Affected: yes. Observed: 1 heterozygote.
Comment: Submitted to GoldVariant by Jose María Bastida and José Rivera; Grupo Español de Alteraciones Plaquetarias Congénitas (GEAPC)

PreventionGenetics, part of Exact Sciences
Classification: Likely benign for SLFN14-related condition. Last evaluated: 2024-03-29. Review status: no assertion criteria provided. Collection method: clinical testing. Allele origin: germline. Not counted in ClinVar's aggregate classification.
Comment: This variant is classified as likely benign based on ACMG/AMP sequence variant interpretation guidelines (Richards et al. 2015 PMID: 25741868, with internal and published modifications).

NM_001129820.2(SLFN14):c.1456C>T (p.Arg486Ter)

Gene: SLFN14 (schlafen family member 14; minus strand). Cytogenetic location: 17q12.
Variant type: single nucleotide variant.
Coding change: c.1456C>T on transcript NM_001129820.2 (MANE Select); coding-DNA position 1456, C replaced by T.
Protein change: p.Arg486Ter; replaces arginine 486 with a stop codon.
Molecular consequence: nonsense.
Genome position (GRCh38, 1-based): chr17:35,553,178, G>A on the plus strand (C>T on the coding strand, the complement: SLFN14 is on the minus strand). VCF-style: chr17-35553178-G-A. GRCh37 (hg19) VCF-style: chr17-33880197-G-A.
Other names: p.Arg486*; short protein forms R486*.
Identifiers: ClinVar variation 732258 (VCV000732258.9), dbSNP rs192498365, ClinGen allele CA8504624.